The following is an entry in ClinVar:

ClinVar aggregate classification (germline): Uncertain significance (1 of 4 stars; one submission).

Conditions:
Encephalopathy, acute, infection-induced (herpes-specific), susceptibility to, 1. Also called: Herpes simplex encephalitis, susceptibility to, 1. Identifiers: Orphanet 1930, MedGen C2750180, MONDO:0024563, OMIM 610551.

Submission:

Labcorp Genetics (formerly Invitae), Labcorp
Classification: Uncertain significance for Encephalopathy, acute, infection-induced (herpes-specific), susceptibility to, 1. Last evaluated: 2022-06-27. Review status: criteria provided, single submitter. Criteria: Invitae Variant Classification Sherloc (09022015). Collection method: clinical testing. Allele origin: germline.
Comment: Experimental studies and prediction algorithms are not available or were not evaluated, and the functional significance of this variant is currently unknown. In summary, the available evidence is currently insufficient to determine the role of this variant in disease. Therefore, it has been classified as a Variant of Uncertain Significance. This variant has not been reported in the literature in individuals affected with UNC93B1-related conditions. This sequence change replaces glutamic acid, which is acidic and polar, with lysine, which is basic and polar, at codon 555 of the UNC93B1 protein (p.Glu555Lys). This variant is not present in population databases (gnomAD no frequency).

NM_030930.4(UNC93B1):c.1663G>A (p.Glu555Lys)

Gene: UNC93B1 (unc-93B1 regulator of TLR signaling; minus strand). Cytogenetic location: 11q13.2.
Variant type: single nucleotide variant.
Coding change: c.1663G>A on transcript NM_030930.4 (MANE Select); coding-DNA position 1663, G replaced by A.
Protein change: p.Glu555Lys; replaces glutamic acid 555 with lysine.
Molecular consequence: missense variant.
Genome position (GRCh38, 1-based): chr11:67,991,677, C>T on the plus strand (G>A on the coding strand, the complement: UNC93B1 is on the minus strand). VCF-style: chr11-67991677-C-T. GRCh37 (hg19) VCF-style: chr11-67759148-C-T.
Other names: short protein forms E555K.
Identifiers: ClinVar variation 1491197 (VCV001491197.6), dbSNP rs1385511565, ClinGen allele CA381567115.